The following is an entry in ClinVar:

NM_004360.5(CDH1):c.289C>G (p.His97Asp)

Gene: CDH1 (cadherin 1; plus strand). Cytogenetic location: 16q22.1.
Variant type: single nucleotide variant.
Coding change: c.289C>G on transcript NM_004360.5 (MANE Select); coding-DNA position 289, C replaced by G.
Protein change: p.His97Asp; replaces histidine 97 with aspartic acid.
Molecular consequence: missense variant. On other transcripts: 5 prime UTR variant (2).
Genome position (GRCh38, 1-based): chr16:68,801,795, C>G. VCF-style: chr16-68801795-C-G. GRCh37 (hg19) VCF-style: chr16-68835698-C-G.
Other names: c.289C>G (LRG_301t1); c.289C>G, p.His97Asp (NM_001317184.2); c.-1327C>G (NM_001317185.2); c.-1531C>G (NM_001317186.2); short protein forms H97D.
Identifiers: ClinVar variation 133852 (VCV000133852.16), dbSNP rs587778173, ClinGen allele CA157977.
Genomic context (GRCh38, chr16:68,801,795, plus strand): 5'-GTGGGCACAGATGGTGTGATTACAGTCAAAAGGCCTCTACGGTTTCATAACCCACAGATC[C>G]ATTTCTTGGTCTACGCCTGGGACTCCACCTACAGAAAGTTTTCCACCAAAGTCACGCTGA-3'
Protein context (NP_004351.1, residues 87-107): RPLRFHNPQI[His97Asp]FLVYAWDSTY

ClinVar aggregate classification (germline): Conflicting classifications of pathogenicity. Review status: criteria provided, conflicting classifications (1 of 4 stars). 4 submissions from 4 submitters: Uncertain significance (2); Likely benign (1). 1 of the submissions does not count toward it. Last evaluated 2025-07-15.

Conditions:
Hereditary cancer-predisposing syndrome. Also called: Tumor predisposition; Hereditary neoplastic syndrome; Neoplastic Syndromes, Hereditary; Hereditary Cancer Syndrome. Identifiers: Orphanet 140162, MedGen C0027672, MeSH D009386, MONDO:0015356.
Hereditary diffuse gastric adenocarcinoma (HDGC). Also called: DIFFUSE GASTRIC AND LOBULAR BREAST CANCER SYNDROME. Identifiers: Orphanet 26106, MedGen C1708349, MONDO:0007648, OMIM 137215.

Allele frequency attached by ClinVar (database versions not stated): gnomAD exomes 0.00001.
gnomAD v4.1: 5 of 1,614,154 alleles (0.00031%); highest among the groups gnomAD compares: Non-Finnish European, 0.00042%; no homozygotes.

Submissions (4):

Labcorp Genetics (formerly Invitae), Labcorp
Classification: Uncertain significance for Hereditary diffuse gastric adenocarcinoma. Last evaluated: 2025-07-15. Review status: criteria provided, single submitter. Criteria: Invitae Variant Classification Sherloc (09022015). Collection method: clinical testing. Allele origin: germline.
Comment: This sequence change replaces histidine, which is basic and polar, with aspartic acid, which is acidic and polar, at codon 97 of the CDH1 protein (p.His97Asp). This variant is not present in population databases (gnomAD no frequency). This variant has not been reported in the literature in individuals affected with CDH1-related conditions. ClinVar contains an entry for this variant (Variation ID: 133852). An algorithm developed to predict the effect of missense changes on protein structure and function (PolyPhen-2) suggests that this variant is likely to be tolerated. In summary, the available evidence is currently insufficient to determine the role of this variant in disease. Therefore, it has been classified as a Variant of Uncertain Significance.

Ambry Genetics
Classification: Likely benign for Hereditary cancer-predisposing syndrome. Last evaluated: 2025-02-28. Review status: criteria provided, single submitter. Criteria: Ambry Variant Classification Scheme 2023. Collection method: clinical testing. Allele origin: germline.

GeneDx
Classification: Uncertain significance. Last evaluated: 2024-01-12. Review status: criteria provided, single submitter. Criteria: GeneDx Variant Classification Process June 2021. Collection method: clinical testing. Allele origin: germline. Affected: yes.
Comment: Not observed at significant frequency in large population cohorts (gnomAD); In silico analysis supports that this missense variant does not alter protein structure/function; Identified in healthy individuals undergoing whole genome sequencing (PMID: 24728327); This variant is associated with the following publications: (PMID: 15235021, 24728327)

ITMI
No classification provided. Condition: AllHighlyPenetrant. Last evaluated: 2013-09-19. Review status: no classification provided. Collection method: reference population. Allele origin: germline. Not counted in ClinVar's aggregate classification.
Comment: Please see associated publication for description of ethnicities

Literature cited by the submitters: PubMed 24728327 (cited by ITMI).